The following is an entry in ClinVar:

ClinVar aggregate classification (germline): Uncertain significance (1 of 4 stars; one submission).

Submission:

Labcorp Genetics (formerly Invitae), Labcorp
Classification: Uncertain significance. Last evaluated: 2024-04-22. Review status: criteria provided, single submitter. Criteria: Invitae Variant Classification Sherloc (09022015). Collection method: clinical testing. Allele origin: germline.
Comment: This sequence change replaces threonine, which is neutral and polar, with serine, which is neutral and polar, at codon 641 of the PDE6B protein (p.Thr641Ser). This variant is not present in population databases (gnomAD no frequency). This variant has not been reported in the literature in individuals affected with PDE6B-related conditions. ClinVar contains an entry for this variant (Variation ID: 1378912). Algorithms developed to predict the effect of missense changes on protein structure and function output the following: SIFT: "Not Available"; PolyPhen-2: "Benign"; Align-GVGD: "Not Available". The serine amino acid residue is found in multiple mammalian species, which suggests that this missense change does not adversely affect protein function. In summary, the available evidence is currently insufficient to determine the role of this variant in disease. Therefore, it has been classified as a Variant of Uncertain Significance.

NM_000283.4(PDE6B):c.1922C>G (p.Thr641Ser)

Gene: PDE6B (phosphodiesterase 6B; plus strand). Cytogenetic location: 4p16.3.
Variant type: single nucleotide variant.
Coding change: c.1922C>G on transcript NM_000283.4 (MANE Select); coding-DNA position 1922, C replaced by G.
Protein change: p.Thr641Ser; replaces threonine 641 with serine.
Molecular consequence: missense variant.
Genome position (GRCh38, 1-based): chr4:663,771, C>G. VCF-style: chr4-663771-C-G. GRCh37 (hg19) VCF-style: chr4-657560-C-G.
Other names: c.1922C>G, p.Thr641Ser (NM_001145291.2); c.1085C>G, p.Thr362Ser (NM_001145292.2, NM_001350154.3, NM_001379246.1 and 1 more transcripts); c.767C>G, p.Thr256Ser (NM_001350155.3); short protein forms T256S, T362S, T641S.
Identifiers: ClinVar variation 1378912 (VCV001378912.6), dbSNP rs1422340072, ClinGen allele CA355918106.